The following is an entry in ClinVar:

NM_001093.4(ACACB):c.4173C>T (p.Asn1391=)

Gene: ACACB (acetyl-CoA carboxylase beta; plus strand). Cytogenetic location: 12q24.11.
Variant type: single nucleotide variant.
Coding change: c.4173C>T on transcript NM_001093.4 (MANE Select); coding-DNA position 4173, C replaced by T.
Protein change: p.Asn1391=; no amino-acid change (asparagine 1391 retained).
Molecular consequence: synonymous variant.
Genome position (GRCh38, 1-based): chr12:109,233,781, C>T. VCF-style: chr12-109233781-C-T. GRCh37 (hg19) VCF-style: chr12-109671586-C-T.
Other names: c.4173C>T, p.Asn1391= (NM_001412734.1, NM_001412735.1); c.3567C>T, p.Asn1189= (NM_001412736.1, NM_001412739.1); c.3546C>T, p.Asn1182= (NM_001412737.1); c.3378C>T, p.Asn1126= (NM_001412738.1).
Identifiers: ClinVar variation 3040370 (VCV003040370.2), dbSNP rs181464188, ClinGen allele CA6774281.

ClinVar aggregate classification (germline): Likely benign (0 of 4 stars; one submission).

Conditions:
ACACB-related disorder. Also called: ACACB-related condition.

Allele frequency attached by ClinVar (database versions not stated): ExAC 0.00008.
gnomAD v4.1: 205 of 1,614,038 alleles (0.013%); highest among the groups gnomAD compares: Middle Eastern, 0.12%; no homozygotes.

Submission:

PreventionGenetics, part of Exact Sciences
Classification: Likely benign for ACACB-related condition. Last evaluated: 2019-10-29. Review status: no assertion criteria provided. Collection method: clinical testing. Allele origin: germline.
Comment: This variant is classified as likely benign based on ACMG/AMP sequence variant interpretation guidelines (Richards et al. 2015 PMID: 25741868, with internal and published modifications).